The following is an entry in ClinVar:

ClinVar aggregate classification (germline): Uncertain significance (1 of 4 stars; one submission).

Conditions:
Hereditary nonpolyposis colorectal neoplasms. Identifiers: MedGen C0009405, MeSH D003123.

Submission:

Labcorp Genetics (formerly Invitae), Labcorp
Classification: Uncertain significance for Hereditary nonpolyposis colorectal neoplasms. Last evaluated: 2023-07-07. Review status: criteria provided, single submitter. Criteria: Invitae Variant Classification Sherloc (09022015). Collection method: clinical testing. Allele origin: germline.
Comment: This variant is not present in population databases (gnomAD no frequency). This sequence change replaces threonine, which is neutral and polar, with asparagine, which is neutral and polar, at codon 1008 of the MSH6 protein (p.Thr1008Asn). This variant has not been reported in the literature in individuals affected with MSH6-related conditions. ClinVar contains an entry for this variant (Variation ID: 2122498). Advanced modeling of protein sequence and biophysical properties (such as structural, functional, and spatial information, amino acid conservation, physicochemical variation, residue mobility, and thermodynamic stability) has been performed at Invitae for this missense variant, however the output from this modeling did not meet the statistical confidence thresholds required to predict the impact of this variant on MSH6 protein function. In summary, the available evidence is currently insufficient to determine the role of this variant in disease. Therefore, it has been classified as a Variant of Uncertain Significance.

NM_000179.3(MSH6):c.3023C>A (p.Thr1008Asn)

Gene: MSH6 (mutS homolog 6; plus strand). Cytogenetic location: 2p16.3.
Variant type: single nucleotide variant.
Coding change: c.3023C>A on transcript NM_000179.3 (MANE Select); coding-DNA position 3023, C replaced by A.
Protein change: p.Thr1008Asn; replaces threonine 1008 with asparagine.
Molecular consequence: missense variant.
Genome position (GRCh38, 1-based): chr2:47,801,006, C>A. VCF-style: chr2-47801006-C-A. GRCh37 (hg19) VCF-style: chr2-48028145-C-A.
Other names: c.2633C>A, p.Thr878Asn (NM_001281492.2); c.2117C>A, p.Thr706Asn (NM_001281493.2, NM_001281494.2, NM_001406811.1 and 6 more transcripts); c.3119C>A, p.Thr1040Asn (NM_001406795.1, NM_001406802.1); c.3023C>A, p.Thr1008Asn (NM_001406796.1, NM_001406798.1, NM_001406800.1 and 2 more transcripts); c.2726C>A, p.Thr909Asn (NM_001406797.1, NM_001406818.1, NM_001406819.1 and 10 more transcripts); c.3029C>A, p.Thr1010Asn (NM_001406813.1); c.968C>A, p.Thr323Asn (NM_001407362.1); c.2498C>A, p.Thr833Asn (NM_001406799.1, NM_001406806.1, NM_001406807.1); and 2 more; short protein forms T323N, T833N, T1008N, T1010N, T952N, T1040N, T706N, T878N.
Identifiers: ClinVar variation 2122498 (VCV002122498.4), dbSNP rs1558667779, ClinGen allele CA346756445.
Genomic context (GRCh38, chr2:47,801,006, plus strand): 5'-GCAATTTGCCAGAAGAATACGAGTTGAAATCTACCAAGAAGGGCTGTAAACGATACTGGA[C>A]CAAAACTATTGAAAAGAAGTTGGCTAATCTCATAAATGCTGAAGAACGGAGGGATGTATC-3'
Protein context (NP_000170.1, residues 998-1018): STKKGCKRYW[Thr1008Asn]KTIEKKLANL